The following is an entry in ClinVar:

ClinVar aggregate classification (germline): Pathogenic. Review status: criteria provided, multiple submitters, no conflicts (2 of 4 stars). 14 submissions from 14 submitters: Pathogenic (13). 1 of the submissions does not count toward it. Last evaluated 2026-02-01.

Conditions:
Autosomal recessive AGL-related disorders.
Acute rhabdomyolysis. Identifiers: MedGen C3807306, HP:0008942.
AGL-related disorder. Also called: AGL-related condition.
Glycogen storage disease type III (GSD3). Also called: FORBES DISEASE; Cori disease. Identifiers: Orphanet 366, MedGen C0017922, MONDO:0009291, OMIM 232400.
Glycogen storage disease. Also called: Disorder of glycogen metabolism; glycogen storage disorder. Identifiers: Orphanet 79201, MedGen C0017919, MONDO:0002412.

Allele frequency attached by ClinVar (database versions not stated): TOPMed 0.00004; gnomAD 0.00005 and 0.00006; gnomAD exomes 0.00006 and 0.00013; ExAC 0.00008.

Submissions (14):

Labcorp Genetics (formerly Invitae), Labcorp
Classification: Pathogenic for Glycogen storage disease type III. Last evaluated: 2026-02-01. Review status: criteria provided, single submitter. Criteria: Invitae Variant Classification Sherloc (09022015). Collection method: clinical testing. Allele origin: germline.
Comment: This sequence change creates a premature translational stop signal (p.Arg864*) in the AGL gene. It is expected to result in an absent or disrupted protein product. Loss-of-function variants in AGL are known to be pathogenic (PMID: 19299494). This variant is present in population databases (rs113994130, gnomAD 0.02%). This premature translational stop signal has been observed in individual(s) with glycogen storage disease type III (PMID: 8755644, 12955720, 17047887, 20648714, 25451950). In at least one individual the data is consistent with being in trans (on the opposite chromosome) from a pathogenic variant. ClinVar contains an entry for this variant (Variation ID: 21215). For these reasons, this variant has been classified as Pathogenic.

Natera, Inc.
Classification: Pathogenic for Glycogen storage disease type III. Last evaluated: 2026-01-20. Review status: criteria provided, single submitter. Criteria: Natera Variant Classification Schema (03/2026). Collection method: clinical testing. Allele origin: germline.
Comment: The c.2590C>T variant in AGL is a nonsense variant predicted to introduce a stop codon at amino acid 864. This variant is expected to result in nonsense mediated decay, truncation, or a dysfunctional protein product. This variant is rare in the general population with a frequency below the threshold expected for the associated phenotype(s). This variant has been observed in one or more individuals affected with the associated recessive disease, as either homozygous or compound heterozygous with a second variant (PMID: 12955720). This variant has been found together with another disease-causing variant in the same copy of the gene (PMID: 34649782). Functional studies show that this variant may disrupt protein function (PMID: 12955720). Given the available evidence, this variant is classified as Pathogenic.

Variantyx, Inc.
Classification: Pathogenic for Autosomal recessive AGL-related disorders. Last evaluated: 2025-10-22. Review status: criteria provided, single submitter. Criteria: Variantyx Assertion Criteria 2022. Collection method: clinical testing. Allele origin: germline. Inheritance: Autosomal recessive inheritance.
Comment: This is a nonsense variant in the AGL gene (OMIM: 610860). Pathogenic variants in this gene have been associated with autosomal recessive AGL-related disorders. This variant introduces a premature termination codon in exon 20 out of 34 and is expected to result in loss of function, which is a known disease mechanism for AGL (PMID: 19299494) (PVS1). This variant has been identified in the compound heterozygous state in at least 1 individual from the published literature (PMID: 8755644) (PM3). It has a 0.0146% maximum allele frequency in non-founder control populations (PM2_Supporting). Based on the current evidence, this variant is classified as pathogenic for autosomal recessive AGL-related disorders.

NHS Central & South Genomic Laboratory Hub
Classification: Pathogenic for Acute Rhabdomyolysis. Last evaluated: 2025-10-21. Review status: criteria provided, single submitter. Criteria: ACMG Guidelines, 2015. Collection method: clinical testing. Allele origin: germline. Affected: yes.

North West Genomic Laboratory Hub, Manchester University NHS Foundation Trust
Classification: Pathogenic for Glycogen storage disease. Last evaluated: 2025-05-19. Review status: criteria provided, single submitter. Criteria: ACGS Best Practice Guidelines for Variant Classification in Rare Disease 2024. Collection method: clinical testing. Allele origin: germline. Affected: yes.
Comment: PM2_Mod PVS1_VStr PM3_Mod

Blueprint Genetics
Classification: Pathogenic for AGL-related disorders. Last evaluated: 2024-05-22. Review status: criteria provided, single submitter. Criteria: ACMG Guidelines, 2015. Collection method: clinical testing. Allele origin: germline. Affected: yes. Observed: 5 variant alleles.

Baylor Genetics
Classification: Pathogenic for Glycogen storage disease type III. Last evaluated: 2024-02-13. Review status: criteria provided, single submitter. Criteria: ACMG Guidelines, 2015. Collection method: clinical testing. Allele origin: unknown.

Laboratory of Medical Genetics, National & Kapodistrian University of Athens
Classification: Pathogenic for Glycogen storage disease type III. Last evaluated: 2022-06-08. Review status: criteria provided, single submitter. Criteria: ACMG Guidelines, 2015. Collection method: clinical testing. Allele origin: germline. Affected: yes.
Comment: PVS1, PS4, PM2, PP5

AiLife Diagnostics
Classification: Pathogenic. Last evaluated: 2022-01-09. Review status: criteria provided, single submitter. Criteria: ACMG Guidelines, 2015. Collection method: clinical testing. Allele origin: germline. Affected: yes. Observed: 1 variant allele.

Dasa
Classification: Pathogenic for Glycogen storage disease type III. Last evaluated: 2022-01-05. Review status: criteria provided, single submitter. Criteria: ACMG Guidelines, 2015. Collection method: clinical testing. Allele origin: germline. Affected: yes. Observed: 1 variant allele.
Comment: Thec.2590C>T;p.(Arg864*) variant creates a premature translational stop signal in the AGL gene. It is expected to result in an absent or disrupted protein product -PVS1. This sequence change has been observed in affected individual(s) and ClinVar contains an entry for this variant (ClinVar ID: 21215; PMID: 12955720; 25451950; 20648714; 17047887) - PS4. The variant is present at low allele frequencies population databases (rs113994130 – gnomAD 0.005260%; ABraOM no frequency) -PM2_supporting. The p.(Arg864*) was detected in trans with a pathogenic variant (PMID: 87556440) - PM3. In summary, the currently available evidence indicates that the variant is pathogenic.

Genome-Nilou Lab
Classification: Pathogenic for Glycogen storage disease type III. Last evaluated: 2021-07-15. Review status: criteria provided, single submitter. Criteria: ACMG Guidelines, 2015. Collection method: clinical testing. Allele origin: germline. Affected: no.

Women's Health and Genetics/Laboratory Corporation of America, LabCorp
Classification: Pathogenic for Glycogen storage disease type III. Last evaluated: 2018-08-16. Review status: criteria provided, single submitter. Criteria: LabCorp Variant Classification Summary - May 2015. Collection method: clinical testing. Allele origin: germline.
Comment: Variant summary: AGL c.2590C>T (p.Arg864X) results in a premature termination codon, predicted to cause a truncation of the encoded protein or absence of the protein due to nonsense mediated decay, which are commonly known mechanisms for disease. The variant allele was found at a frequency of 7.2e-05 in 276720 control chromosomes (gnomAD). c.2590C>T has been widely reported in the literature as pathogenic, found in numerous individuals affected with Glycogen Storage Disease Type III, across several ethnicities (e.g. Endo 2006, Mili 2012, Okubo 2015, Zhang 2018). These data indicate that the variant is very likely to be associated with disease. Publications also reported experimental evidence evaluating an impact on protein function, by measuring leukocyte enzyme activities in several homozygous patients. The most pronounced variant effect results in <10% of normal activity (Mili 2012, Okubo 2015). No clinical diagnostic laboratories have submitted clinical-significance assessments for this variant to ClinVar after 2014. Based on the evidence outlined above, the variant was classified as pathogenic.

Eurofins Ntd Llc (ga)
Classification: Pathogenic. Last evaluated: 2014-06-13. Review status: criteria provided, single submitter. Criteria: EGL Classification Definitions 2015. Collection method: clinical testing. Allele origin: germline.

GeneReviews
No classification provided. Condition: Glycogen storage disease type III. Review status: no classification provided. Collection method: literature only. Allele origin: germline. Not counted in ClinVar's aggregate classification.
Comment: 2039G>A, 2590C>T and 3682C>T are 3 common variants that together account for approximately 28% of pathogenic variants in persons of European origin.

Literature cited by the submitters: PubMed 19299494 (cited by Labcorp Genetics (formerly Invitae), Labcorp and Variantyx, Inc.); PubMed 8755644 (cited by 3 submitters); PubMed 12955720 (cited by 3 submitters); PubMed 17047887 (cited by 3 submitters); PubMed 20648714 (cited by Labcorp Genetics (formerly Invitae), Labcorp and Dasa); PubMed 25451950 (cited by 4 submitters); PubMed 34649782 (cited by Natera, Inc.); PubMed 34134972 (cited by AiLife Diagnostics); PubMed 27604308 (cited by AiLife Diagnostics); PubMed 25525159 (cited by AiLife Diagnostics); PubMed 29614965 (cited by AiLife Diagnostics and Women's Health and Genetics/Laboratory Corporation of America, LabCorp); PubMed 22089644 (cited by Women's Health and Genetics/Laboratory Corporation of America, LabCorp); NCBI Bookshelf NBK26372 (cited by GeneReviews); PubMed 17196294 (cited by GeneReviews).

NM_000642.3(AGL):c.2590C>T (p.Arg864Ter)

Gene: AGL (amylo-alpha-1,6-glucosidase and 4-alpha-glucanotransferase; plus strand). Cytogenetic location: 1p21.2.
Variant type: single nucleotide variant.
Coding change: c.2590C>T on transcript NM_000642.3 (MANE Select); coding-DNA position 2590, C replaced by T.
Protein change: p.Arg864Ter; replaces arginine 864 with a stop codon.
Molecular consequence: nonsense.
Genome position (GRCh38, 1-based): chr1:99,884,612, C>T. VCF-style: chr1-99884612-C-T. GRCh37 (hg19) VCF-style: chr1-100350168-C-T.
Other names: c.2590C>T, p.Arg864Ter (NM_000028.3, NM_000643.3, NM_000644.3 and 2 more transcripts); c.2542C>T, p.Arg848Ter (NM_000646.3); c.2389C>T, p.Arg797Ter (NM_001425327.1); c.2386C>T, p.Arg796Ter (NM_001425328.1); c.2212C>T, p.Arg738Ter (NM_001425332.1); short protein forms R864*, R848*, R738*, R796*, R797*.
Identifiers: ClinVar variation 21215 (VCV000021215.28), dbSNP rs113994130, ClinGen allele CA341741.